The following is an entry in ClinVar:

NM_006270.5(RRAS):c.409G>A (p.Val137Ile)

Gene: RRAS (RAS related; minus strand). Cytogenetic location: 19q13.33.
Variant type: single nucleotide variant.
Coding change: c.409G>A on transcript NM_006270.5 (MANE Select); coding-DNA position 409, G replaced by A.
Protein change: p.Val137Ile; replaces valine 137 with isoleucine.
Molecular consequence: missense variant.
Genome position (GRCh38, 1-based): chr19:49,636,663, C>T on the plus strand (G>A on the coding strand, the complement: RRAS is on the minus strand). VCF-style: chr19-49636663-C-T. GRCh37 (hg19) VCF-style: chr19-50139920-C-T.
Other names: c.409G>A (NM_006270.3); short protein forms V137I.
Identifiers: ClinVar variation 527789 (VCV000527789.10), dbSNP rs757080959, ClinGen allele CA9579028.

ClinVar aggregate classification (germline): Conflicting classifications of pathogenicity. Review status: criteria provided, conflicting classifications (1 of 4 stars). 3 submissions from 3 submitters: Uncertain significance (2); Likely benign (1). Last evaluated 2026-01-19.

Conditions:
Noonan syndrome (NS). Also called: Noonan's syndrome. Identifiers: Orphanet 648, MedGen C0028326, MeSH D009634, MONDO:0018997. Disease mechanism: gain of function.

Allele frequency attached by ClinVar (database versions not stated): ExAC 0.00002; gnomAD exomes 0.00002 and 0.00006; gnomAD 0.00006 and 0.00007; TOPMed 0.00007.

Submissions (3):

Labcorp Genetics (formerly Invitae), Labcorp
Classification: Uncertain significance for Noonan syndrome. Last evaluated: 2026-01-19. Review status: criteria provided, single submitter. Criteria: Invitae Variant Classification Sherloc (09022015). Collection method: clinical testing. Allele origin: germline.
Comment: This sequence change replaces valine, which is neutral and non-polar, with isoleucine, which is neutral and non-polar, at codon 137 of the RRAS protein (p.Val137Ile). This variant is present in population databases (rs757080959, gnomAD 0.005%). This variant has not been reported in the literature in individuals affected with RRAS-related conditions. ClinVar contains an entry for this variant (Variation ID: 527789). An algorithm developed to predict the effect of missense changes on protein structure and function outputs the following: PolyPhen-2: "Benign". The isoleucine amino acid residue is found in multiple mammalian species, which suggests that this missense change does not adversely affect protein function. In summary, the available evidence is currently insufficient to determine the role of this variant in disease. Therefore, it has been classified as a Variant of Uncertain Significance.

Ambry Genetics
Classification: Likely benign. Last evaluated: 2024-11-14. Review status: criteria provided, single submitter. Criteria: Ambry Variant Classification Scheme 2023. Collection method: clinical testing. Allele origin: germline.

Women's Health and Genetics/Laboratory Corporation of America, LabCorp
Classification: Uncertain significance. Last evaluated: 2020-02-13. Review status: criteria provided, single submitter. Criteria: LabCorp Variant Classification Summary - May 2015. Collection method: clinical testing. Allele origin: germline.
Comment: Variant summary: RRAS c.409G>A (p.Val137Ile) results in a conservative amino acid change located in the Small GTP-binding protein domain (IPR005225) of the encoded protein sequence. Five of five in-silico tools predict a benign effect of the variant on protein function. The variant allele was found at a frequency of 2e-05 in 251258 control chromosomes (gnomAD). The available data on variant occurrences in the general population are insufficient to allow any conclusion about variant significance. To our knowledge, no occurrence of c.409G>A in individuals affected with Noonan Syndrome and Related Conditions and no experimental evidence demonstrating its impact on protein function have been reported. A ClinVar submitter (evaluation after 2014) cites the variant as uncertain significance. Based on the evidence outlined above, the variant was classified as uncertain significance.